The following is an entry in ClinVar:

ClinVar aggregate classification (germline): Pathogenic. Review status: criteria provided, single submitter (1 of 4 stars). 2 submissions from 2 submitters: Pathogenic (1). 1 of the submissions does not count toward it. Last evaluated 2024-04-17.

Conditions:
Leber congenital amaurosis 7 (LCA7). Identifiers: Orphanet 65, MedGen C3151192, MONDO:0013449, OMIM 613829.
Cone-rod dystrophy 2 (CORD2). Also called: CONE-ROD RETINAL DYSTROPHY; Cone-rod retinal dystrophy 2. Identifiers: Orphanet 1872, MedGen C3489532, MONDO:0007362, OMIM 120970.

Submissions (2):

Labcorp Genetics (formerly Invitae), Labcorp
Classification: Pathogenic for Cone-rod dystrophy 2; Leber congenital amaurosis 7. Last evaluated: 2024-04-17. Review status: criteria provided, single submitter. Criteria: Invitae Variant Classification Sherloc (09022015). Collection method: clinical testing. Allele origin: germline.
Comment: This sequence change results in a frameshift in the CRX gene (p.Ser252Profs*119). While this is not anticipated to result in nonsense mediated decay, it is expected to disrupt the last 48 amino acid(s) of the CRX protein and extend the protein by 70 additional amino acid residues. This variant is not present in population databases (gnomAD no frequency). This frameshift has been observed in individual(s) with clinical features of CRX-related conditions (Invitae). ClinVar contains an entry for this variant (Variation ID: 99622). This variant disrupts a region of the CRX protein in which other variant(s) (p.Tyr258*) have been determined to be pathogenic (PMID: 22968130, 25270190). This suggests that this is a clinically significant region of the protein, and that variants that disrupt it are likely to be disease-causing. For these reasons, this variant has been classified as Pathogenic.

Retina International
No classification provided. Review status: no classification provided. Collection method: not provided. Allele origin: not provided. Not counted in ClinVar's aggregate classification.

Literature cited by the submitters: PubMed 22968130 (cited by Labcorp Genetics (formerly Invitae), Labcorp); PubMed 25270190 (cited by Labcorp Genetics (formerly Invitae), Labcorp).

NM_000554.6(CRX):c.753del (p.Ser252fs)

Gene: CRX (cone-rod homeobox; plus strand). Cytogenetic location: 19q13.33.
Variant type: Deletion.
Coding change: c.753del on transcript NM_000554.6 (MANE Select); coding-DNA position 753, one base deleted (C; older notation c.753delC).
Protein change: p.Ser252fs; shifts the reading frame from serine 252.
Molecular consequence: frameshift variant.
Genome position (GRCh38, 1-based): chr19:47,839,820, C deleted; the last of 2 consecutive C bases (chr19:47,839,819-47,839,820); deleting either gives the same sequence. VCF-style (leftmost placement, unchanged base first): chr19-47839818-AC-A. GRCh37 (hg19) VCF-style: chr19-48343075-AC-A.
Other names: short protein forms S252fs.
Identifiers: ClinVar variation 99622 (VCV000099622.9), dbSNP rs61749660, ClinGen allele CA227645.
Genomic context (GRCh38, chr19:47,839,818, plus strand): 5'-GGCCCGGCTCTTAGCCCCCTCTCTGGCCCCTCCGTGGGACCTTCCCTGGCCCAGTCCCCC[AC>A]CTCCCTATCAGGCCAGAGCTATGGCGCCTACAGCCCCGTGGATAGCTTGGAATTCAAGGA-3'